The following is an entry in ClinVar:

ClinVar aggregate classification (germline): Conflicting classifications of pathogenicity. Review status: criteria provided, conflicting classifications (1 of 4 stars). 2 submissions from 2 submitters: Uncertain significance (1); Likely benign (1). Last evaluated 2025-09-05.

Conditions:
Inborn genetic diseases. Identifiers: MedGen C0950123, MeSH D030342.

Allele frequency attached by ClinVar (database versions not stated): 1000 Genomes Project 30x 0.00016; ExAC 0.00004; TOPMed 0.00018; gnomAD exomes 0.00003; gnomAD 0.00007; ESP Exome Variant Server 0.00015.
gnomAD v4.1: 56 of 1,599,610 alleles (0.0035%); highest among the groups gnomAD compares: African/African-American, 0.042%; no homozygotes.

Submissions (2):

Labcorp Genetics (formerly Invitae), Labcorp
Classification: Uncertain significance. Last evaluated: 2025-09-05. Review status: criteria provided, single submitter. Criteria: Invitae Variant Classification Sherloc (09022015). Collection method: clinical testing. Allele origin: germline.
Comment: This sequence change replaces valine, which is neutral and non-polar, with methionine, which is neutral and non-polar, at codon 707 of the AHDC1 protein (p.Val707Met). This variant is present in population databases (rs144680234, gnomAD 0.02%). This variant has not been reported in the literature in individuals affected with AHDC1-related conditions. ClinVar contains an entry for this variant (Variation ID: 2251108). An algorithm developed to predict the effect of missense changes on protein structure and function (PolyPhen-2) suggests that this variant is likely to be disruptive. In summary, the available evidence is currently insufficient to determine the role of this variant in disease. Therefore, it has been classified as a Variant of Uncertain Significance.

Ambry Genetics
Classification: Likely benign for Inborn genetic diseases. Last evaluated: 2021-09-16. Review status: criteria provided, single submitter. Criteria: Ambry Variant Classification Scheme 2023. Collection method: clinical testing. Allele origin: germline.

NM_001371928.1(AHDC1):c.2119G>A (p.Val707Met)

Gene: AHDC1 (AT-hook DNA binding motif containing 1; minus strand). Cytogenetic location: 1p36.11.
Variant type: single nucleotide variant.
Coding change: c.2119G>A on transcript NM_001371928.1 (MANE Select); coding-DNA position 2119, G replaced by A.
Protein change: p.Val707Met; replaces valine 707 with methionine.
Molecular consequence: missense variant.
Genome position (GRCh38, 1-based): chr1:27,549,997, C>T on the plus strand (G>A on the coding strand, the complement: AHDC1 is on the minus strand). VCF-style: chr1-27549997-C-T. GRCh37 (hg19) VCF-style: chr1-27876508-C-T.
Other names: c.2119G>A, p.Val707Met (NM_001029882.3); short protein forms V707M.
Identifiers: ClinVar variation 2251108 (VCV002251108.5), dbSNP rs144680234, ClinGen allele CA715835.